The following is an entry in ClinVar:

ClinVar aggregate classification (germline): Uncertain significance. Review status: criteria provided, multiple submitters, no conflicts (2 of 4 stars). 2 submissions from 2 submitters: Uncertain significance (2). Last evaluated 2024-10-23.

Allele frequency attached by ClinVar (database versions not stated): gnomAD exomes below 0.00001; gnomAD 0.00001; TOPMed 0.00002.
gnomAD v4.1: 8 of 1,613,112 alleles (0.0005%); highest among the groups gnomAD compares: Non-Finnish European, 0.00059%; no homozygotes.

Submissions (2):

Labcorp Genetics (formerly Invitae), Labcorp
Classification: Uncertain significance. Last evaluated: 2024-10-23. Review status: criteria provided, single submitter. Criteria: Invitae Variant Classification Sherloc (09022015). Collection method: clinical testing. Allele origin: germline.
Comment: This sequence change replaces histidine, which is basic and polar, with tyrosine, which is neutral and polar, at codon 1196 of the MACF1 protein (p.His1196Tyr). This variant is not present in population databases (gnomAD no frequency). This variant has not been reported in the literature in individuals affected with MACF1-related conditions. ClinVar contains an entry for this variant (Variation ID: 2413714). An algorithm developed to predict the effect of missense changes on protein structure and function (PolyPhen-2) suggests that this variant is likely to be disruptive. In summary, the available evidence is currently insufficient to determine the role of this variant in disease. Therefore, it has been classified as a Variant of Uncertain Significance.

Blueprint Genetics
Classification: Uncertain significance. Last evaluated: 2024-09-03. Review status: criteria provided, single submitter. Criteria: ACMG Guidelines, 2015. Collection method: clinical testing. Allele origin: germline.

NM_001394062.1(MACF1):c.3571C>T (p.His1191Tyr)

Gene: MACF1 (microtubule actin crosslinking factor 1; plus strand). Cytogenetic location: 1p34.3.
Variant type: single nucleotide variant.
Coding change: c.3571C>T on transcript NM_001394062.1 (MANE Select); coding-DNA position 3571, C replaced by T.
Protein change: p.His1191Tyr; replaces histidine 1191 with tyrosine.
Molecular consequence: missense variant.
Genome position (GRCh38, 1-based): chr1:39,316,512, C>T. VCF-style: chr1-39316512-C-T. GRCh37 (hg19) VCF-style: chr1-39782184-C-T.
Other names: c.3586C>T, p.His1196Tyr (NM_012090.5); short protein forms H1191Y, H1196Y.
Identifiers: ClinVar variation 2413714 (VCV002413714.7), dbSNP rs997058995, ClinGen allele CA20937138.